The following is an entry in ClinVar:

ClinVar aggregate classification (germline): Uncertain significance (1 of 4 stars; one submission).

Conditions:
Familial cancer of breast. Also called: hereditary breast carcinoma; BREAST CANCER, FAMILIAL; Hereditary breast cancer. Identifiers: Orphanet 227535, MedGen C0346153, MONDO:0016419, OMIM 114480. Disease mechanism: loss of function.

Allele frequency attached by ClinVar (database versions not stated): gnomAD exomes below 0.00001.
gnomAD v4.1: 1 of 1,592,488 alleles (0.000063%); highest among the groups gnomAD compares: East Asian, 0.0023%; no homozygotes.

Submission:

Labcorp Genetics (formerly Invitae), Labcorp
Classification: Uncertain significance for Familial cancer of breast. Last evaluated: 2025-11-24. Review status: criteria provided, single submitter. Criteria: Invitae Variant Classification Sherloc (09022015). Collection method: clinical testing. Allele origin: germline.
Comment: This sequence change replaces proline, which is neutral and non-polar, with serine, which is neutral and polar, at codon 72 of the PALB2 protein (p.Pro72Ser). This variant is not present in population databases (gnomAD no frequency). This variant has not been reported in the literature in individuals affected with PALB2-related conditions. ClinVar contains an entry for this variant (Variation ID: 1440188). An algorithm developed to predict the effect of missense changes on protein structure and function outputs the following: PolyPhen-2: "Benign". The serine amino acid residue is found in multiple mammalian species, which suggests that this missense change does not adversely affect protein function. In summary, the available evidence is currently insufficient to determine the role of this variant in disease. Therefore, it has been classified as a Variant of Uncertain Significance.

NM_024675.4(PALB2):c.214C>T (p.Pro72Ser)

Gene: PALB2 (partner and localizer of BRCA2; minus strand). Cytogenetic location: 16p12.2.
Variant type: single nucleotide variant.
Coding change: c.214C>T on transcript NM_024675.4 (MANE Select); coding-DNA position 214, C replaced by T.
Protein change: p.Pro72Ser; replaces proline 72 with serine.
Molecular consequence: missense variant.
Genome position (GRCh38, 1-based): chr16:23,636,332, G>A on the plus strand (C>T on the coding strand, the complement: PALB2 is on the minus strand). VCF-style: chr16-23636332-G-A. GRCh37 (hg19) VCF-style: chr16-23647653-G-A.
Other names: short protein forms P72S.
Identifiers: ClinVar variation 1440188 (VCV001440188.7), dbSNP rs2142448436, ClinGen allele CA395138988.